The following is an entry in ClinVar:

NM_001267550.2(TTN):c.76722T>C (p.Tyr25574=)

Genes: TTN-AS1 (TTN antisense RNA 1; plus strand), TTN (titin; minus strand). Cytogenetic location: 2q31.2.
Variant type: single nucleotide variant.
Coding change: c.76722T>C on transcript NM_001267550.2 (MANE Select); coding-DNA position 76722, T replaced by C.
Protein change: p.Tyr25574=; no amino-acid change (tyrosine 25574 retained).
Molecular consequence: synonymous variant.
Genome position (GRCh38, 1-based): chr2:178,569,410, A>G on the plus strand (T>C on the coding strand, the complement: TTN is on the minus strand). VCF-style: chr2-178569410-A-G. GRCh37 (hg19) VCF-style: chr2-179434137-A-G.
Other names: p.Y23933Y:TAT>TAC; p.Tyr23933=; c.71799T>C, p.Tyr23933= (NM_001256850.1); c.49527T>C, p.Tyr16509= (NM_003319.4); c.69018T>C, p.Tyr23006= (NM_133378.4); c.49902T>C, p.Tyr16634= (NM_133432.3); c.50103T>C, p.Tyr16701= (NM_133437.4).
Identifiers: ClinVar variation 47350 (VCV000047350.76), dbSNP rs55696153, ClinGen allele CA283786.
Genomic context (GRCh38, chr2:178,569,410, plus strand): 5'-AACAAAGGCAGACTTTGTTCCACTGCTGTTTTCTAATGTAAGCGTATATTTTCCACTATC[A>G]TATCGGTTGACATTGTCAAGAACAAGAGAGGTGAAACTGCTAGTGACATCAATTATAGCT-3'
Protein context (NP_001254479.2, residues 25564-25584): TSLVLDNVNR[Tyr25574=]DSGKYTLTLE

ClinVar aggregate classification (germline): Conflicting classifications of pathogenicity. Review status: criteria provided, conflicting classifications (1 of 4 stars). 23 submissions from 19 submitters: Uncertain significance (3); Benign (9); Likely benign (6). 5 of the submissions do not count toward it. Last evaluated 2026-09-01.

Conditions:
Cardiovascular phenotype. Identifiers: MedGen CN230736.
Dilated cardiomyopathy 1G (CMD1G). Identifiers: Orphanet 154, MedGen C1858763, MONDO:0011400, OMIM 604145.
Autosomal recessive limb-girdle muscular dystrophy type 2J (LGMDR10). Also called: MUSCULAR DYSTROPHY, LIMB-GIRDLE, AUTOSOMAL RECESSIVE 10; Limb-girdle muscular dystrophy, type 2J. Identifiers: Orphanet 140922, MedGen C1837342, MONDO:0012127, OMIM 608807.
Cardiomyopathy (CMYO). Also called: Cardiomyopathies. Identifiers: Orphanet 167848, MedGen C0878544, MONDO:0004994, HP:0001638. Inheritance: Various modes of inheritance.
Early-onset myopathy with fatal cardiomyopathy (CMYO5). Also called: CONGENITAL MYOPATHY 5 WITH CARDIOMYOPATHY; Salih Myopathy. Identifiers: Orphanet 289377, MedGen C2673677, MONDO:0012714, OMIM 611705. Disease mechanism: loss of function.
Myopathy, myofibrillar, 9, with early respiratory failure (MFM9). Also called: Myopathy, distal, with early respiratory failure, autosomal dominant; Hereditary myopathy with early respiratory failure; MYOPATHY, PROXIMAL, WITH EARLY RESPIRATORY MUSCLE INVOLVEMENT; EDSTROM MYOPATHY. Identifiers: Orphanet 178464, Orphanet 34521, MedGen C1863599, MONDO:0011362, OMIM 603689.
Tibial muscular dystrophy (TMD). Also called: Udd Distal Myopathy – Tibial Muscular Dystrophy; Tibial muscular dystrophy, tardive; UDD MYOPATHY. Identifiers: Orphanet 609, MedGen C1838244, MONDO:0010870, OMIM 600334.

Allele frequency attached by ClinVar (database versions not stated): 1000 Genomes Project 0.00040; TOPMed 0.00215; gnomAD 0.00223 and 0.00213; ESP Exome Variant Server 0.00258; gnomAD exomes 0.00210; 1000 Genomes Project 30x 0.00047; ExAC 0.00230.
gnomAD v4.1: 5,326 of 1,613,300 alleles (0.33%); highest among the groups gnomAD compares: Middle Eastern, 0.46%; 13 homozygotes.

Submissions (23):

CeGaT Center for Human Genetics Tuebingen
Classification: Likely benign. Last evaluated: 2026-09-01. Review status: criteria provided, single submitter. Criteria: CeGaT Center For Human Genetics Tuebingen Variant Classification Criteria Version 2. Collection method: clinical testing. Allele origin: germline. Affected: yes. Observed: 46 variant alleles.
Comment: TTN: BP4, BP7, BS2

Labcorp Genetics (formerly Invitae), Labcorp
Classification: Benign for Dilated cardiomyopathy 1G; Autosomal recessive limb-girdle muscular dystrophy type 2J. Last evaluated: 2026-02-04. Review status: criteria provided, single submitter. Criteria: Invitae Variant Classification Sherloc (09022015). Collection method: clinical testing. Allele origin: germline.

Mayo Clinic Laboratories, Mayo Clinic
Classification: Likely benign. Last evaluated: 2025-10-21. Review status: criteria provided, single submitter. Criteria: ACMG Guidelines, 2015. Collection method: clinical testing. Allele origin: germline. Observed: 13 variant alleles.
Comment: BS1, BP4, BP7

ARUP Laboratories, Molecular Genetics and Genomics, ARUP Laboratories
Classification: Benign. Last evaluated: 2025-06-23. Review status: criteria provided, single submitter. Criteria: ARUP Molecular Germline Variant Investigation Process 2024. Collection method: clinical testing. Allele origin: germline.

Blueprint Genetics
Classification: Likely benign. Last evaluated: 2024-11-26. Review status: criteria provided, single submitter. Criteria: ACMG Guidelines, 2015. Collection method: clinical testing. Allele origin: germline.

Athena Diagnostics
Classification: Benign. Last evaluated: 2024-05-07. Review status: criteria provided, single submitter. Criteria: Athena Diagnostics Criteria. Collection method: clinical testing. Allele origin: unknown.

Women's Health and Genetics/Laboratory Corporation of America, LabCorp
Classification: Benign. Last evaluated: 2021-08-05. Review status: criteria provided, single submitter. Criteria: LabCorp Variant Classification Summary - May 2015. Collection method: clinical testing. Allele origin: germline.

Genetic Services Laboratory, University of Chicago
Classification: Likely benign. Last evaluated: 2020-04-29. Review status: criteria provided, single submitter. Criteria: ACMG Guidelines, 2015. Collection method: clinical testing. Allele origin: germline. Affected: no.

Illumina Laboratory Services, Illumina
Classification: Benign for Tibial muscular dystrophy. Last evaluated: 2018-01-12. Review status: criteria provided, single submitter. Criteria: ICSL Variant Classification Criteria 13 December 2019. Collection method: clinical testing. Allele origin: germline.
Comment: This variant was observed in the ICSL laboratory as part of a predisposition screen in an ostensibly healthy population. It had not been previously curated by ICSL or reported in the Human Gene Mutation Database (HGMD: prior to June 1st, 2018), and was therefore a candidate for classification through an automated scoring system. Utilizing variant allele frequency, disease prevalence and penetrance estimates, and inheritance mode, an automated score was calculated to assess if this variant is too frequent to cause the disease. Based on the score and internal cut-off values, a variant classified as benign is not then subjected to further curation. The score for this variant resulted in a classification of benign for this disease.

Illumina Laboratory Services, Illumina
Classification: Benign for Myopathy, myofibrillar, 9, with early respiratory failure. Last evaluated: 2018-01-12. Review status: criteria provided, single submitter. Criteria: ICSL Variant Classification Criteria 13 December 2019. Collection method: clinical testing. Allele origin: germline.
Comment: the same text as in the submission from Illumina Laboratory Services, Illumina above.

Illumina Laboratory Services, Illumina
Classification: Uncertain significance for Dilated cardiomyopathy 1G. Last evaluated: 2018-01-12. Review status: criteria provided, single submitter. Criteria: ICSL Variant Classification Criteria 13 December 2019. Collection method: clinical testing. Allele origin: germline.

Illumina Laboratory Services, Illumina
Classification: Uncertain significance for Autosomal recessive limb-girdle muscular dystrophy type 2J. Last evaluated: 2018-01-12. Review status: criteria provided, single submitter. Criteria: ICSL Variant Classification Criteria 13 December 2019. Collection method: clinical testing. Allele origin: germline.

Illumina Laboratory Services, Illumina
Classification: Uncertain significance for Early-onset myopathy with fatal cardiomyopathy. Last evaluated: 2018-01-12. Review status: criteria provided, single submitter. Criteria: ICSL Variant Classification Criteria 13 December 2019. Collection method: clinical testing. Allele origin: germline.

CHEO Genetics Diagnostic Laboratory, Children's Hospital of Eastern Ontario
Classification: Benign for Cardiomyopathy. Last evaluated: 2017-01-23. Review status: criteria provided, single submitter. Criteria: ACMG Guidelines, 2015. Collection method: clinical testing. Allele origin: germline. Study: Canadian Open Genetics Repository.

Eurofins Ntd Llc (ga)
Classification: Likely benign. Last evaluated: 2015-06-30. Review status: criteria provided, single submitter. Criteria: EGL Classification Definitions 2015. Collection method: clinical testing. Allele origin: germline. Observed: 2 variant alleles, 2 heterozygotes.

Ambry Genetics
Classification: Likely benign for Cardiovascular phenotype. Last evaluated: 2013-02-18. Review status: criteria provided, single submitter. Criteria: Ambry Autosomal Dominant and X-Linked criteria (10/2015). Collection method: clinical testing. Allele origin: germline. Observed: 1 variant allele.

GeneDx
Classification: Benign. Last evaluated: 2013-01-07. Review status: criteria provided, single submitter. Criteria: GeneDx Variant Classification (06012015). Collection method: clinical testing. Allele origin: germline. Affected: yes.
Comment: This variant is considered likely benign or benign based on one or more of the following criteria: it is a conservative change, it occurs at a poorly conserved position in the protein, it is predicted to be benign by multiple in silico algorithms, and/or has population frequency not consistent with disease.

Laboratory for Molecular Medicine, Mass General Brigham Personalized Medicine
Classification: Benign. Last evaluated: 2012-03-01. Review status: criteria provided, single submitter. Criteria: LMM Criteria. Collection method: clinical testing. Allele origin: germline. Observed: 12 variant alleles.
Comment: Tyr23006Tyr in exon 275 of TTN: This variant is not expected to have clinical si gnificance because it does not alter an amino acid residue and has been identifi ed in 0.4% (26/6626) of European American chromosomes from a broad population by the NHLBI Exome Sequencing Project (dbSNP rs5 5696153).

Clinical Genetics DNA and cytogenetics Diagnostics Lab, Erasmus MC, Erasmus Medical Center
Classification: Benign. Review status: no assertion criteria provided. Collection method: clinical testing. Allele origin: germline. Affected: yes. Study: VKGL Data-share Consensus. Not counted in ClinVar's aggregate classification.

Clinical Genetics, Academic Medical Center
Classification: Benign. Review status: no assertion criteria provided. Collection method: clinical testing. Allele origin: germline. Affected: yes. Study: VKGL Data-share Consensus. Not counted in ClinVar's aggregate classification.

Diagnostic Laboratory, Department of Genetics, University Medical Center Groningen
Classification: Likely benign. Review status: no assertion criteria provided. Collection method: clinical testing. Allele origin: germline. Affected: yes. Study: VKGL Data-share Consensus. Not counted in ClinVar's aggregate classification.

Genome Diagnostics Laboratory, University Medical Center Utrecht
Classification: Benign. Review status: no assertion criteria provided. Collection method: clinical testing. Allele origin: germline. Affected: yes. Study: VKGL Data-share Consensus. Not counted in ClinVar's aggregate classification.

Joint Genome Diagnostic Labs from Nijmegen and Maastricht, Radboudumc and MUMC+
Classification: Benign. Review status: no assertion criteria provided. Collection method: clinical testing. Allele origin: germline. Affected: yes. Study: VKGL Data-share Consensus. Not counted in ClinVar's aggregate classification.